The following is an entry in ClinVar:

NM_005629.4(SLC6A8):c.912+19G>A

Gene: SLC6A8 (solute carrier family 6 member 8; plus strand). Cytogenetic location: Xq28.
Variant type: single nucleotide variant.
Coding change: c.912+19G>A on transcript NM_005629.4 (MANE Select); 19 bases into the intron after coding-DNA position 912, G replaced by A.
Molecular consequence: intron variant.
Genome position (GRCh38, 1-based): chrX:153,693,194, G>A. VCF-style: chrX-153693194-G-A. GRCh37 (hg19) VCF-style: chrX-152958649-G-A.
Other names: c.912+19G>A (NM_001142805.2); c.567+19G>A (NM_001142806.1).
Identifiers: ClinVar variation 386741 (VCV000386741.8), dbSNP rs782518872, ClinGen allele CA10549347.
Genomic context (GRCh38, chrX:153,693,194, plus strand): 5'-TACTATCTCAAGCCTGACTGGTCAAAGCTGGGGTCCCCTCAGGTGAGGTGGAGGTGGAGA[G>A]GCTGCAGCAGGGCGCTGCGGGGGAGCCCTGCAGGCCCCTCATGCCTGCGCTCTCCGGCCC-3'

ClinVar aggregate classification (germline): Benign/Likely benign. Review status: criteria provided, multiple submitters, no conflicts (2 of 4 stars). 2 submissions from 2 submitters: Benign (1); Likely benign (1). Last evaluated 2025-11-08.

Conditions:
Creatine transporter deficiency (CCDS1). Also called: SLC6A8-Related Creatine Transporter Deficiency; CREATINE TRANSPORTER DEFECT; CEREBRAL CREATINE DEFICIENCY SYNDROME 1; Mental retardation , X-linked with seizures, short stature and midface hypoplasia; Mental retardation , X-linked, with creatine transport deficiency; X-linked creatine transporter deficiency. Identifiers: Orphanet 52503, MedGen C1845862, MONDO:0010305, OMIM 300352.

Allele frequency attached by ClinVar (database versions not stated): TOPMed 0.00006.
gnomAD v4.1: 16 of 1,210,930 alleles (0.0013%); highest among the groups gnomAD compares: Admixed American, 0.033%; no homozygotes.

Submissions (2):

Labcorp Genetics (formerly Invitae), Labcorp
Classification: Benign for Creatine transporter deficiency. Last evaluated: 2025-11-08. Review status: criteria provided, single submitter. Criteria: Invitae Variant Classification Sherloc (09022015). Collection method: clinical testing. Allele origin: germline.

GeneDx
Classification: Likely benign. Last evaluated: 2016-06-20. Review status: criteria provided, single submitter. Criteria: GeneDx Variant Classification (06012015). Collection method: clinical testing. Allele origin: germline. Affected: yes.
Comment: This variant is considered likely benign or benign based on one or more of the following criteria: it is a conservative change, it occurs at a poorly conserved position in the protein, it is predicted to be benign by multiple in silico algorithms, and/or has population frequency not consistent with disease.